The following is an entry in ClinVar:

NM_020549.5(CHAT):c.358G>A (p.Ala120Thr)

Gene: CHAT (choline O-acetyltransferase; plus strand). Cytogenetic location: 10q11.23.
Variant type: single nucleotide variant.
Coding change: c.358G>A on transcript NM_020549.5 (MANE Select); coding-DNA position 358, G replaced by A.
Protein change: p.Ala120Thr; replaces alanine 120 with threonine.
Molecular consequence: missense variant.
Genome position (GRCh38, 1-based): chr10:49,616,573, G>A. VCF-style: chr10-49616573-G-A. GRCh37 (hg19) VCF-style: chr10-50824619-G-A.
Other names: c.4G>A, p.Ala2Thr (NM_001142929.2, NM_001142934.2, NM_020984.4 and 2 more transcripts); c.112G>A, p.Ala38Thr (NM_001142933.2); short protein forms A120T, A2T, A38T.
Identifiers: ClinVar variation 128724 (VCV000128724.28), dbSNP rs3810950, ClinGen allele CA152352.

ClinVar aggregate classification (germline): Benign/Likely benign. Review status: criteria provided, multiple submitters, no conflicts (2 of 4 stars). 11 submissions from 11 submitters: Benign (8); Likely benign (2). 1 of the submissions does not count toward it. Last evaluated 2026-02-04.

Conditions:
Familial infantile myasthenia (CMS6). Also called: MYASTHENIC SYNDROME, CONGENITAL, 6, PRESYNAPTIC; Congenital myasthenic syndrome type 6; MYASTHENIC SYNDROME, PRESYNAPTIC, CONGENITAL, ASSOCIATED WITH EPISODIC APNEA. Identifiers: Orphanet 590, MedGen C0393929, MONDO:0009689, OMIM 254210.

Allele frequency attached by ClinVar (database versions not stated): TOPMed 0.17069; gnomAD 0.17408 and 0.17863; ESP Exome Variant Server 0.18238; gnomAD exomes 0.20725; ExAC 0.22694; 1000 Genomes Project 30x 0.15740; 1000 Genomes Project 0.16054.
gnomAD v4.1: 381,427 of 1,610,550 alleles (24%); highest among the groups gnomAD compares: Middle Eastern, 28%; 47,769 homozygotes.

Submissions (11):

Labcorp Genetics (formerly Invitae), Labcorp
Classification: Benign for Familial infantile myasthenia. Last evaluated: 2026-02-04. Review status: criteria provided, single submitter. Criteria: Invitae Variant Classification Sherloc (09022015). Collection method: clinical testing. Allele origin: germline.

Blueprint Genetics
Classification: Benign. Last evaluated: 2024-11-27. Review status: criteria provided, single submitter. Criteria: ACMG Guidelines, 2015. Collection method: clinical testing. Allele origin: germline.

Women's Health and Genetics/Laboratory Corporation of America, LabCorp
Classification: Likely benign. Last evaluated: 2021-12-03. Review status: criteria provided, single submitter. Criteria: LabCorp Variant Classification Summary - May 2015. Collection method: clinical testing. Allele origin: germline.

Genome-Nilou Lab
Classification: Benign for Familial infantile myasthenia. Last evaluated: 2021-07-22. Review status: criteria provided, single submitter. Criteria: ACMG Guidelines, 2015. Collection method: clinical testing. Allele origin: germline. Affected: no.

Eurofins Ntd Llc (ga)
Classification: Benign. Last evaluated: 2016-08-04. Review status: criteria provided, single submitter. Criteria: EGL Classification Definitions 2015. Collection method: clinical testing. Allele origin: germline. Observed: 2 variant alleles, 2 heterozygotes.

Laboratory for Molecular Medicine, Mass General Brigham Personalized Medicine
Classification: Benign. Last evaluated: 2016-03-28. Review status: criteria provided, single submitter. Criteria: LMM Criteria. Collection method: clinical testing. Allele origin: germline.
Comment: Variant identified in a genome or exome case(s) and assessed due to predicted null impact of the variant or pathogenic assertions in the literature or databases. Disclaimer: This variant has not undergone full assessment. The following are preliminary notes: MAF

GeneDx
Classification: Benign. Last evaluated: 2016-03-11. Review status: criteria provided, single submitter. Criteria: GeneDx Variant Classification (06012015). Collection method: clinical testing. Allele origin: germline. Affected: yes.
Comment: This variant is considered likely benign or benign based on one or more of the following criteria: it is a conservative change, it occurs at a poorly conserved position in the protein, it is predicted to be benign by multiple in silico algorithms, and/or has population frequency not consistent with disease.

PreventionGenetics, part of Exact Sciences
Classification: Benign. Last evaluated: 2016-02-01. Review status: criteria provided, single submitter. Criteria: ACMG Guidelines, 2015. Collection method: clinical testing. Allele origin: germline.

Genetic Services Laboratory, University of Chicago
Classification: Benign for AllHighlyPenetrant. Last evaluated: 2013-08-22. Review status: criteria provided, single submitter. Criteria: ACMG Guidelines, 2007. Collection method: clinical testing. Allele origin: germline. Inheritance: Autosomal recessive inheritance.

Breakthrough Genomics
Classification: Likely benign. Review status: criteria provided, single submitter. Criteria: ACMG Guidelines, 2015. Collection method: not provided. Allele origin: germline. Inheritance: Autosomal recessive inheritance. Affected: yes.

Mayo Clinic Laboratories, Mayo Clinic
Classification: Benign. Last evaluated: 2016-02-11. Review status: no assertion criteria provided. Collection method: clinical testing. Allele origin: unknown. Not counted in ClinVar's aggregate classification.